The following is an entry in ClinVar:

NM_001098816.3(TENM4):c.6074A>G (p.Tyr2025Cys)

Gene: TENM4 (teneurin transmembrane protein 4; minus strand). Cytogenetic location: 11q14.1.
Variant type: single nucleotide variant.
Coding change: c.6074A>G on transcript NM_001098816.3 (MANE Select); coding-DNA position 6074, A replaced by G.
Protein change: p.Tyr2025Cys; replaces tyrosine 2025 with cysteine.
Molecular consequence: missense variant.
Genome position (GRCh38, 1-based): chr11:78,670,271, T>C on the plus strand (A>G on the coding strand, the complement: TENM4 is on the minus strand). VCF-style: chr11-78670271-T-C. GRCh37 (hg19) VCF-style: chr11-78381316-T-C.
Other names: short protein forms Y2025C.
Identifiers: ClinVar variation 1701174 (VCV001701174.31), dbSNP rs1275486193, ClinGen allele CA382133635.
Genomic context (GRCh38, chr11:78,670,271, plus strand): 5'-TTGATGGTCTTCAGCATGCCTGCCGTCTCGTCATAGGTGAAACTGACCTTGGTGGTGTCA[T>C]AGAGCGTCTCTGCCAGCTTTGACAGTTTGCCATACTTGTATATCACCCTGCGGCCAGTGC-3'
Protein context (NP_001092286.2, residues 2015-2035): GKLSKLAETL[Tyr2025Cys]DTTKVSFTYD

ClinVar aggregate classification (germline): Uncertain significance (1 of 4 stars; one submission).

Allele frequency attached by ClinVar (database versions not stated): gnomAD exomes below 0.00001.
gnomAD v4.1: 3 of 1,613,962 alleles (0.00019%); highest among the groups gnomAD compares: Non-Finnish European, 0.00025%; no homozygotes.

Submission:

CeGaT Center for Human Genetics Tuebingen
Classification: Uncertain significance. Last evaluated: 2022-07-01. Review status: criteria provided, single submitter. Criteria: CeGaT Center For Human Genetics Tuebingen Variant Classification Criteria Version 2. Collection method: clinical testing. Allele origin: germline. Affected: yes. Observed: 1 variant allele.
Comment: TENM4: PM2